The following is an entry in ClinVar:

ClinVar aggregate classification (germline): Likely pathogenic. Review status: criteria provided, single submitter (1 of 4 stars). 2 submissions from 2 submitters: Likely pathogenic (1). 1 of the submissions does not count toward it. Last evaluated 2020-02-14.

Conditions:
Retinal degeneration. Identifiers: MedGen C0035304, MeSH D012162, MONDO:0004580, HP:0000546.
Hypotaurinemic retinal degeneration and cardiomyopathy. Also called: Hypertaurinuric cardiomyopathy. Identifiers: MedGen C5542181, MONDO:0007777, OMIM 145350.

Submissions (2):

SIB Swiss Institute of Bioinformatics
Classification: Likely pathogenic for Retinal degeneration. Last evaluated: 2020-02-14. Review status: criteria provided, single submitter. Criteria: ACMG Guidelines, 2015. Collection method: curation. Allele origin: unknown.
Comment: This variant is interpreted as a likely pathogenic for retinal degeneration and cardiomyopathy, autosomal recessive. The following ACMG Tag(s) were applied: PM2, PP1, PP3, PP2, PS3.

OMIM
Classification: Pathogenic for HYPOTAURINEMIC RETINAL DEGENERATION AND CARDIOMYOPATHY. Last evaluated: 2021-05-24. Review status: no assertion criteria provided. Collection method: literature only. Allele origin: germline. Not counted in ClinVar's aggregate classification.

Literature cited by the submitters: PubMed 31345061 (cited by SIB Swiss Institute of Bioinformatics and OMIM).

NM_003043.6(SLC6A6):c.233C>A (p.Ala78Glu)

Gene: SLC6A6 (solute carrier family 6 member 6; plus strand). Cytogenetic location: 3p25.1.
Variant type: single nucleotide variant.
Coding change: c.233C>A on transcript NM_003043.6 (MANE Select); coding-DNA position 233, C replaced by A.
Protein change: p.Ala78Glu; replaces alanine 78 with glutamic acid.
Molecular consequence: missense variant. On other transcripts: non-coding transcript variant (1).
Genome position (GRCh38, 1-based): chr3:14,445,720, C>A. VCF-style: chr3-14445720-C-A. GRCh37 (hg19) VCF-style: chr3-14487228-C-A.
Other names: c.536C>A, p.Ala179Glu (NM_001134367.3); c.233C>A, p.Ala78Glu (NM_001134368.4); short protein forms A78E, A179E.
Identifiers: ClinVar variation 870335 (VCV000870335.2), dbSNP rs754954058, ClinGen allele CA351544234.
Genomic context (GRCh38, chr3:14,445,720, plus strand): 5'-TCTGCGTCGGCGCTGCCATGGCCACAGCCTCACTTTTGCCCATTCTGCTCTCTGCAGGTG[C>A]GTTTCTCATACCGTATTTTATTTTCCTGTTTGGGAGCGGCCTGCCTGTGTTTTTCTTGGA-3'
Protein context (NP_003034.2, residues 68-88): PYLCYKNGGG[Ala78Glu]FLIPYFIFLF